The following is an entry in ClinVar:

NM_005359.6(SMAD4):c.538C>T (p.Gln180Ter)

Gene: SMAD4 (SMAD family member 4; plus strand). Cytogenetic location: 18q21.2.
Variant type: single nucleotide variant.
Coding change: c.538C>T on transcript NM_005359.6 (MANE Select); coding-DNA position 538, C replaced by T.
Protein change: p.Gln180Ter; replaces glutamine 180 with a stop codon.
Molecular consequence: nonsense.
Genome position (GRCh38, 1-based): chr18:51,054,864, C>T. VCF-style: chr18-51054864-C-T. GRCh37 (hg19) VCF-style: chr18-48581234-C-T.
Other names: short protein forms Q180*.
Identifiers: ClinVar variation 2138155 (VCV002138155.4), dbSNP rs377767332, ClinGen allele CA259183.

ClinVar aggregate classification (germline): Pathogenic (1 of 4 stars; one submission).

Conditions:
Juvenile polyposis syndrome (JPS). Identifiers: Orphanet 2929, MedGen C0345893, MONDO:0017380, OMIM 174900.

Submission:

Labcorp Genetics (formerly Invitae), Labcorp
Classification: Pathogenic for Juvenile polyposis syndrome. Last evaluated: 2022-07-29. Review status: criteria provided, single submitter. Criteria: Invitae Variant Classification Sherloc (09022015). Collection method: clinical testing. Allele origin: germline.
Comment: This premature translational stop signal has been observed in individual(s) with juvenile polyps (PMID: 11583957). This sequence change creates a premature translational stop signal (p.Gln180*) in the SMAD4 gene. It is expected to result in an absent or disrupted protein product. Loss-of-function variants in SMAD4 are known to be pathogenic (PMID: 16152648, 16436638, 22810475). This variant is not present in population databases (gnomAD no frequency). This variant is also known as c.541C>T. For these reasons, this variant has been classified as Pathogenic.

Literature cited by the submitters: PubMed 11583957; PubMed 16152648; PubMed 16436638; PubMed 22810475.